The following is an entry in ClinVar:

NM_001134831.2(AHI1):c.2765-2A>C

Gene: AHI1 (Abelson helper integration site 1; minus strand). Cytogenetic location: 6q23.3.
Variant type: single nucleotide variant.
Coding change: c.2765-2A>C on transcript NM_001134831.2 (MANE Select); the canonical splice acceptor site of the intron before coding-DNA position 2765, A replaced by C.
Molecular consequence: splice acceptor variant.
Genome position (GRCh38, 1-based): chr6:135,411,546, T>G on the plus strand (A>C on the coding strand, the complement: AHI1 is on the minus strand). VCF-style: chr6-135411546-T-G. GRCh37 (hg19) VCF-style: chr6-135732684-T-G.
Other names: c.2765-2A>C (NM_001134830.2, NM_001350503.2, NM_017651.5 and 2 more transcripts).
Identifiers: ClinVar variation 4894060 (VCV004894060.2).

ClinVar aggregate classification (germline): Likely pathogenic. Review status: criteria provided, multiple submitters, no conflicts (2 of 4 stars). 2 submissions from 2 submitters: Likely pathogenic (2). Last evaluated 2026-09-01.

Conditions:
AHI1-related disorder. Also called: AHI1-related condition.
Joubert syndrome 3 (JBTS3). Also called: AHI1-related Ciliopathy. Identifiers: Orphanet 220493, MedGen C1837713, MONDO:0012078, OMIM 608629.

Submissions (2):

Myriad Genetics, Inc.
Classification: Likely pathogenic for Joubert syndrome 3. Last evaluated: 2026-09-01. Review status: criteria provided, single submitter. Criteria: Myriad Autosomal Dominant, Autosomal Recessive and X-Linked Classification Criteria (2023). Collection method: clinical testing. Allele origin: unknown.
Comment: NM_001134831.1(AHI1):c.2765-2A>C is a variant in a canonical splice site classified as likely pathogenic in the context of Joubert syndrome, AHI1-related. c.2765-2A>C has not been observed in cases with relevant disease. Relevant functional assessments of this variant are not available in the literature. c.2765-2A>C has not been observed in referenced population frequency databases. In summary, NM_001134831.1(AHI1):c.2765-2A>C is a variant in a canonical splice site in a gene where loss of function is a known mechanism of disease and is predicted to disrupt protein function. Please note: this variant was assessed in the context of healthy population screening.

Blueprint Genetics
Classification: Likely pathogenic for AHI1-related disorders. Last evaluated: 2022-08-19. Review status: criteria provided, single submitter. Criteria: ACMG Guidelines, 2015. Collection method: clinical testing. Allele origin: germline. Affected: yes. Observed: 2 variant alleles.